The following is an entry in ClinVar:

ClinVar aggregate classification (germline): Uncertain significance. Review status: criteria provided, multiple submitters, no conflicts (2 of 4 stars). 2 submissions from 2 submitters: Uncertain significance (2). Last evaluated 2023-11-21.

Conditions:
Sitosterolemia 1. Identifiers: MedGen C2749759, MONDO:0020747, OMIM 210250.
Cardiovascular phenotype. Identifiers: MedGen CN230736.

Allele frequency attached by ClinVar (database versions not stated): gnomAD 0.00004; gnomAD exomes 0.00005; TOPMed 0.00005; 1000 Genomes Project 30x 0.00016; 1000 Genomes Project 0.00020.

Submissions (2):

Ambry Genetics
Classification: Uncertain significance for Cardiovascular phenotype. Last evaluated: 2023-11-21. Review status: criteria provided, single submitter. Criteria: Ambry Variant Classification Scheme 2023. Collection method: clinical testing. Allele origin: germline.
Comment: The p.M13I variant (also known as c.39G>T), located in coding exon 1 of the ABCG5 gene, results from a G to T substitution at nucleotide position 39. The methionine at codon 13 is replaced by isoleucine, an amino acid with highly similar properties. This amino acid position is conserved. In addition, this alteration is predicted to be tolerated by in silico analysis. Since supporting evidence is limited at this time, the clinical significance of this alteration remains unclear.

Illumina Laboratory Services, Illumina
Classification: Uncertain significance for Sitosterolemia 1. Last evaluated: 2018-01-13. Review status: criteria provided, single submitter. Criteria: ICSL Variant Classification Criteria 13 December 2019. Collection method: clinical testing. Allele origin: germline.

NM_022436.3(ABCG5):c.39G>T (p.Met13Ile)

Gene: ABCG5 (ATP binding cassette subfamily G member 5; minus strand). Cytogenetic location: 2p21.
Variant type: single nucleotide variant.
Coding change: c.39G>T on transcript NM_022436.3 (MANE Select); coding-DNA position 39, G replaced by T.
Protein change: p.Met13Ile; replaces methionine 13 with isoleucine.
Molecular consequence: missense variant.
Genome position (GRCh38, 1-based): chr2:43,838,641, C>A on the plus strand (G>T on the coding strand, the complement: ABCG5 is on the minus strand). VCF-style: chr2-43838641-C-A. GRCh37 (hg19) VCF-style: chr2-44065780-C-A.
Other names: short protein forms M13I.
Identifiers: ClinVar variation 336056 (VCV000336056.7), dbSNP rs572875739, ClinGen allele CA1636813.
Genomic context (GRCh38, chr2:43,838,641, plus strand): 5'-CGGGGCGGTGGCAGGAGCCCCCTCCAGGGAGCTCTGGGAGCCTCTGTTTACTTGGAGACC[C>A]ATGGACCCTCCGGGGGTCAAAGATGAGAGGTCACCCATGGCCAACAGGCAGCAAAGCTGG-3'
Protein context (NP_071881.1, residues 3-23): DLSSLTPGGS[Met13Ile]GLQVNRGSQS